The following is an entry in ClinVar:

ClinVar aggregate classification (germline): Pathogenic. Review status: criteria provided, multiple submitters, no conflicts (2 of 4 stars). 2 submissions from 2 submitters: Pathogenic (2). Last evaluated 2022-03-11.

Conditions:
Multiple congenital exostosis (EXT). Also called: Hereditary multiple exostoses; Hereditary multiple exostosis; Hereditary multiple osteochondromas; Multiple exostoses; Multiple osteochondromas; MULTIPLE CARTILAGINOUS EXOSTOSES. Identifiers: Orphanet 321, MedGen C0015306, MONDO:0005508, HP:0002762.

Submissions (2):

Labcorp Genetics (formerly Invitae), Labcorp
Classification: Pathogenic for Multiple congenital exostosis. Last evaluated: 2022-03-11. Review status: criteria provided, single submitter. Criteria: Invitae Variant Classification Sherloc (09022015). Collection method: clinical testing. Allele origin: germline.
Comment: This sequence change affects an acceptor splice site in intron 7 of the EXT1 gene. It is expected to disrupt RNA splicing. Variants that disrupt the donor or acceptor splice site typically lead to a loss of protein function (PMID: 16199547), and loss-of-function variants in EXT1 are known to be pathogenic (PMID: 10679937, 11391482, 19810120). This variant is not present in population databases (gnomAD no frequency). Disruption of this splice site has been observed in individual(s) with multiple exostoses (PMID: 16088908, 19810120). ClinVar contains an entry for this variant (Variation ID: 972704). Algorithms developed to predict the effect of sequence changes on RNA splicing suggest that this variant may disrupt the consensus splice site. For these reasons, this variant has been classified as Pathogenic.

Service de Biochimie Médicale et Biologie Moléculaire, CHU Clermont-Ferrand
Classification: Pathogenic for Exostoses, multiple, type 1. Last evaluated: 2020-06-17. Review status: criteria provided, single submitter. Criteria: ACMG Guidelines, 2015. Collection method: clinical testing. Allele origin: de novo. Inheritance: Sporadic. Affected: yes. Observed: 1 heterozygote.
Comment: Absent from ExAC and gnomAD. Variants affecting the same nucleotide reported as responsible for multiple exostosis disease in databases and in the literature (c.1633-1G> T in ClinVar; c.1633-1G> C in LOVD and by Jennes I. et al., Hum. Mutat. 2009). Variant affecting consensus acceptor splice site of exon 8.

Literature cited by the submitters: PubMed 16199547 (cited by Labcorp Genetics (formerly Invitae), Labcorp); PubMed 10679937 (cited by Labcorp Genetics (formerly Invitae), Labcorp); PubMed 11391482 (cited by Labcorp Genetics (formerly Invitae), Labcorp); PubMed 19810120 (cited by Labcorp Genetics (formerly Invitae), Labcorp); PubMed 16088908 (cited by Labcorp Genetics (formerly Invitae), Labcorp).

NM_000127.3(EXT1):c.1633-1G>A

Gene: EXT1 (exostosin glycosyltransferase 1; minus strand). Cytogenetic location: 8q24.11.
Variant type: single nucleotide variant.
Coding change: c.1633-1G>A on transcript NM_000127.3 (MANE Select); the canonical splice acceptor site of the intron before coding-DNA position 1633, G replaced by A.
Molecular consequence: splice acceptor variant.
Genome position (GRCh38, 1-based): chr8:117,812,962, C>T on the plus strand (G>A on the coding strand, the complement: EXT1 is on the minus strand). VCF-style: chr8-117812962-C-T. GRCh37 (hg19) VCF-style: chr8-118825201-C-T.
Identifiers: ClinVar variation 972704 (VCV000972704.7), dbSNP rs1823354043, ClinGen allele CA371881720.